The following is an entry in ClinVar:

ClinVar aggregate classification (germline): Uncertain significance. Review status: criteria provided, multiple submitters, no conflicts (2 of 4 stars). 3 submissions from 3 submitters: Uncertain significance (2). 1 of the submissions does not count toward it. Last evaluated 2022-10-03.

Conditions:
Decreased circulating carnitine concentration. Also called: Decreased plasma carnitine. Identifiers: MedGen C5848230, HP:0003234.
Renal carnitine transport defect (CDSP). Also called: Systemic primary carnitine deficiency disease; CARNITINE DEFICIENCY, SYSTEMIC, DUE TO DEFECT IN RENAL REABSORPTION OF CARNITINE; CARNITINE TRANSPORTER, PLASMA-MEMBRANE, DEFICIENCY OF; CARNITINE UPTAKE DEFECT; Carnitine transporter deficiency; Carnitine Deficiency, Systemic. Identifiers: Orphanet 158, MedGen C0342788, MONDO:0008919, OMIM 212140.

Allele frequency attached by ClinVar (database versions not stated): gnomAD 0.00001; gnomAD exomes 0.00002 and 0.00006; TOPMed 0.00002; ExAC 0.00009.
gnomAD v4.1: 24 of 1,576,048 alleles (0.0015%); highest among the groups gnomAD compares: Middle Eastern, 0.017%; no homozygotes.

Submissions (3):

Giacomini Lab, University of California, San Francisco
Classification: Uncertain significance for Renal carnitine transport defect. Last evaluated: 2022-10-03. Review status: criteria provided, single submitter. Criteria: ACMG Guidelines, 2015. Collection method: research, in vitro. Allele origin: germline, not applicable.

Labcorp Genetics (formerly Invitae), Labcorp
Classification: Uncertain significance for Renal carnitine transport defect. Last evaluated: 2022-04-04. Review status: criteria provided, single submitter. Criteria: Invitae Variant Classification Sherloc (09022015). Collection method: clinical testing. Allele origin: germline.
Comment: This sequence change replaces arginine, which is basic and polar, with glutamine, which is neutral and polar, at codon 85 of the SLC22A5 protein (p.Arg85Gln). This variant is present in population databases (rs761608940, gnomAD 0.03%). This variant has not been reported in the literature in individuals affected with SLC22A5-related conditions. ClinVar contains an entry for this variant (Variation ID: 1026131). Advanced modeling of protein sequence and biophysical properties (such as structural, functional, and spatial information, amino acid conservation, physicochemical variation, residue mobility, and thermodynamic stability) performed at Invitae indicates that this missense variant is not expected to disrupt SLC22A5 protein function. Algorithms developed to predict the effect of sequence changes on RNA splicing suggest that this variant may create or strengthen a splice site. In summary, the available evidence is currently insufficient to determine the role of this variant in disease. Therefore, it has been classified as a Variant of Uncertain Significance.

Natera, Inc.
Classification: Uncertain significance for Carnitine deficiency. Last evaluated: 2020-05-28. Review status: no assertion criteria provided. Collection method: clinical testing. Allele origin: germline. Not counted in ClinVar's aggregate classification.

NM_003060.4(SLC22A5):c.254G>A (p.Arg85Gln)

Gene: SLC22A5 (solute carrier family 22 member 5; plus strand). Cytogenetic location: 5q31.1.
Variant type: single nucleotide variant.
Coding change: c.254G>A on transcript NM_003060.4 (MANE Select); coding-DNA position 254, G replaced by A.
Protein change: p.Arg85Gln; replaces arginine 85 with glutamine.
Molecular consequence: missense variant.
Genome position (GRCh38, 1-based): chr5:132,370,226, G>A. VCF-style: chr5-132370226-G-A. GRCh37 (hg19) VCF-style: chr5-131705918-G-A.
Other names: p.Arg85Gln; c.254G>A, p.Arg85Gln (NM_001308122.2); short protein forms R85Q.
Identifiers: ClinVar variation 1026131 (VCV001026131.8), dbSNP rs761608940, ClinGen allele CA3403821.